The following is an entry in ClinVar:

ClinVar aggregate classification (germline): Uncertain significance. Review status: criteria provided, multiple submitters, no conflicts (2 of 4 stars). 2 submissions from 2 submitters: Uncertain significance (2). Last evaluated 2024-07-20.

Conditions:
Arrhythmogenic right ventricular cardiomyopathy (ARVD). Also called: Arrhythmogenic cardiomyopathy; Cardiomyopathy, ARVC; Arrhythmogenic right ventricular dysplasia; Arrhythmogenic Right Ventricular Cardiomyopathy (ARVC). Identifiers: Orphanet 247, MedGen C0349788, MeSH D019571, MONDO:0016587. Disease mechanism: loss of function. Inheritance: Various modes of inheritance.
Cardiomyopathy (CMYO). Also called: Cardiomyopathies. Identifiers: Orphanet 167848, MedGen C0878544, MONDO:0004994, HP:0001638. Inheritance: Various modes of inheritance.

Allele frequency attached by ClinVar (database versions not stated): gnomAD exomes below 0.00001; gnomAD 0.00001.
gnomAD v4.1: 2 of 1,614,018 alleles (0.00012%); highest among the groups gnomAD compares: East Asian, 0.0045%; no homozygotes.

Submissions (2):

All of Us Research Program, National Institutes of Health
Classification: Uncertain significance for Arrhythmogenic right ventricular cardiomyopathy. Last evaluated: 2024-07-20. Review status: criteria provided, single submitter. Criteria: ACMG Guidelines, 2015. Collection method: clinical testing. Allele origin: germline. Inheritance: Autosomal dominant inheritance. Observed: 2 variant alleles, 2 heterozygotes.
Comment: This missense variant replaces asparagine with lysine at codon 35 of the DSG2 protein. Computational prediction tools and conservation analyses suggest that this variant may not impact protein structure and function. Splice site prediction tools suggest that this variant may not impact RNA splicing. To our knowledge, functional studies have not been performed for this variant. This variant has been reported in three individuals affected with arrhythmogenic right ventricular cardiomyopathy (PMID: 24125834, 25765472). This variant has also been identified in 2/280830 chromosomes in the general population by the Genome Aggregation Database (gnomAD). The available evidence is insufficient to determine the role of this variant in disease conclusively. Therefore, this variant is classified as a Variant of Uncertain Significance.

This study involves interpretation of variants in research participants for the purpose of population health screening. Participant phenotype was not available at the time of variant classification. Additional details can be found in publication PMID: 35346344, PMCID: PMC8962531

Color Diagnostics, LLC DBA Color Health
Classification: Uncertain significance for Cardiomyopathy. Last evaluated: 2024-07-03. Review status: criteria provided, single submitter. Criteria: ACMG Guidelines, 2015. Collection method: clinical testing. Allele origin: germline.
Comment: This missense variant replaces asparagine with lysine at codon 35 of the DSG2 protein. Computational prediction tools and conservation analyses suggest that this variant may not impact protein structure and function. Splice site prediction tools suggest that this variant may not impact RNA splicing. To our knowledge, functional studies have not been performed for this variant. This variant has been reported in three individuals affected with arrhythmogenic right ventricular cardiomyopathy (PMID: 24125834, 25765472). This variant has also been identified in 2/280830 chromosomes in the general population by the Genome Aggregation Database (gnomAD). The available evidence is insufficient to determine the role of this variant in disease conclusively. Therefore, this variant is classified as a Variant of Uncertain Significance.

Literature cited by the submitters: PubMed 24125834 (cited by All of Us Research Program, National Institutes of Health and Color Diagnostics, LLC DBA Color Health); PubMed 25765472 (cited by All of Us Research Program, National Institutes of Health and Color Diagnostics, LLC DBA Color Health).

NM_001943.5(DSG2):c.105T>A (p.Asn35Lys)

Gene: DSG2 (desmoglein 2; plus strand). Cytogenetic location: 18q12.1.
Variant type: single nucleotide variant.
Coding change: c.105T>A on transcript NM_001943.5 (MANE Select); coding-DNA position 105, T replaced by A.
Protein change: p.Asn35Lys; replaces asparagine 35 with lysine.
Molecular consequence: missense variant.
Genome position (GRCh38, 1-based): chr18:31,519,826, T>A. VCF-style: chr18-31519826-T-A. GRCh37 (hg19) VCF-style: chr18-29099789-T-A.
Other names: short protein forms N35K.
Identifiers: ClinVar variation 919997 (VCV000919997.7), dbSNP rs1380949518, ClinGen allele CA402130634.